The following is an entry in ClinVar:

NM_000179.3(MSH6):c.532C>G (p.Arg178Gly)

Gene: MSH6 (mutS homolog 6; plus strand). Cytogenetic location: 2p16.3.
Variant type: single nucleotide variant.
Coding change: c.532C>G on transcript NM_000179.3 (MANE Select); coding-DNA position 532, C replaced by G.
Protein change: p.Arg178Gly; replaces arginine 178 with glycine.
Molecular consequence: missense variant. On other transcripts: 5 prime UTR variant (1), intron variant (2).
Genome position (GRCh38, 1-based): chr2:47,795,968, C>G. VCF-style: chr2-47795968-C-G. GRCh37 (hg19) VCF-style: chr2-48023107-C-G.
Other names: c.-371C>G (NM_001281494.2); c.628C>G, p.Arg210Gly (NM_001406795.1, NM_001406802.1); c.532C>G, p.Arg178Gly (NM_001406796.1, NM_001406798.1, NM_001406800.1 and 5 more transcripts); c.235C>G, p.Arg79Gly (NM_001406797.1, NM_001406801.1, NM_001406805.1 and 10 more transcripts); c.7C>G, p.Arg3Gly (NM_001406799.1, NM_001406806.1, NM_001406807.1); c.454C>G, p.Arg152Gly (NM_001406804.1); c.538C>G, p.Arg180Gly (NM_001406813.1); c.-463C>G (NM_001406814.1); and 3 more; short protein forms R122G, R152G, R178G, R180G, R210G, R3G, R79G.
Identifiers: ClinVar variation 1707335 (VCV001707335.5), dbSNP rs730881813, ClinGen allele CA346738708.

ClinVar aggregate classification (germline): Uncertain significance. Review status: criteria provided, multiple submitters, no conflicts (2 of 4 stars). 2 submissions from 2 submitters: Uncertain significance (2). Last evaluated 2023-09-01.

Conditions:
Hereditary nonpolyposis colorectal neoplasms. Identifiers: MedGen C0009405, MeSH D003123.

gnomAD v4.1: 1 of 1,614,058 alleles (0.000062%); highest among the groups gnomAD compares: Non-Finnish European, 0.000085%; no homozygotes.

Submissions (2):

Labcorp Genetics (formerly Invitae), Labcorp
Classification: Uncertain significance for Hereditary nonpolyposis colorectal neoplasms. Last evaluated: 2023-09-01. Review status: criteria provided, single submitter. Criteria: Invitae Variant Classification Sherloc (09022015). Collection method: clinical testing. Allele origin: germline.
Comment: In summary, the available evidence is currently insufficient to determine the role of this variant in disease. Therefore, it has been classified as a Variant of Uncertain Significance. Advanced modeling of protein sequence and biophysical properties (such as structural, functional, and spatial information, amino acid conservation, physicochemical variation, residue mobility, and thermodynamic stability) performed at Invitae indicates that this missense variant is not expected to disrupt MSH6 protein function. ClinVar contains an entry for this variant (Variation ID: 1707335). This variant has not been reported in the literature in individuals affected with MSH6-related conditions. This variant is not present in population databases (gnomAD no frequency). This sequence change replaces arginine, which is basic and polar, with glycine, which is neutral and non-polar, at codon 178 of the MSH6 protein (p.Arg178Gly).

GeneDx
Classification: Uncertain significance. Last evaluated: 2022-03-21. Review status: criteria provided, single submitter. Criteria: GeneDx Variant Classification Process June 2021. Collection method: clinical testing. Allele origin: germline. Affected: yes.
Comment: Not observed at significant frequency in large population cohorts (gnomAD); In silico analysis supports that this missense variant does not alter protein structure/function; Has not been previously published as pathogenic or benign to our knowledge